The following is an entry in ClinVar:

ClinVar aggregate classification (germline): Uncertain significance (1 of 4 stars; one submission).

Submission:

Labcorp Genetics (formerly Invitae), Labcorp
Classification: Uncertain significance. Last evaluated: 2022-07-08. Review status: criteria provided, single submitter. Criteria: Invitae Variant Classification Sherloc (09022015). Collection method: clinical testing. Allele origin: germline.
Comment: In summary, the available evidence is currently insufficient to determine the role of this variant in disease. Therefore, it has been classified as a Variant of Uncertain Significance. Algorithms developed to predict the effect of missense changes on protein structure and function are either unavailable or do not agree on the potential impact of this missense change (SIFT: "Not Available"; PolyPhen-2: "Probably Damaging"; Align-GVGD: "Not Available"). This variant has not been reported in the literature in individuals affected with ANK3-related conditions. This variant is not present in population databases (gnomAD no frequency). This sequence change replaces threonine, which is neutral and polar, with serine, which is neutral and polar, at codon 2270 of the ANK3 protein (p.Thr2270Ser).

NM_020987.5(ANK3):c.6808A>T (p.Thr2270Ser)

Genes: ANK3 (ankyrin 3; minus strand), LOC130003862 (ATAC-STARR-seq lymphoblastoid active region 3393; plus strand). Cytogenetic location: 10q21.2.
Variant type: single nucleotide variant.
Coding change: c.6808A>T on transcript NM_020987.5 (MANE Select); coding-DNA position 6808, A replaced by T.
Protein change: p.Thr2270Ser; replaces threonine 2270 with serine.
Molecular consequence: missense variant. On other transcripts: intron variant (4).
Genome position (GRCh38, 1-based): chr10:60,074,073, T>A on the plus strand (A>T on the coding strand, the complement: ANK3 is on the minus strand). VCF-style: chr10-60074073-T-A. GRCh37 (hg19) VCF-style: chr10-61833831-T-A.
Other names: c.4388-6064A>T (NM_001204403.2); c.4409-6064A>T (NM_001204404.2); c.4406-6064A>T (NM_001320874.2); c.1808-6064A>T (NM_001149.4); short protein forms T2270S.
Identifiers: ClinVar variation 2015036 (VCV002015036.4), dbSNP rs2492558234, ClinGen allele CA377011870.
Genomic context (GRCh38, chr10:60,074,073, plus strand): 5'-GTTCTTTGGAAGGATCCCGCCCGGACTGAAAGGCCTTCATGATGTCATGGACTGACATGG[T>A]TTCTTCAATTCTTTCAGATGCACCTTCACCGCCTGGTGGAGAATGATAAACCATTCTGGT-3'
Protein context (NP_066267.2, residues 2260-2280): GEGASERIEE[Thr2270Ser]MSVHDIMKAF